The following is an entry in ClinVar:

ClinVar aggregate classification (germline): Likely pathogenic (1 of 4 stars; one submission).

Conditions:
Cockayne syndrome type 2 (CSB). Also called: COCKAYNE SYNDROME B; Cockayne Syndrome, Type II. Identifiers: Orphanet 191, Orphanet 90322, MedGen C0751038, MONDO:0019570, OMIM 133540.

Submission:

Myriad Genetics, Inc.
Classification: Likely pathogenic for Cockayne syndrome type 2. Last evaluated: 2021-12-08. Review status: criteria provided, single submitter. Criteria: Myriad Women's Health Autosomal Recessive and X-Linked Classification Criteria (2021). Collection method: clinical testing. Allele origin: unknown.
Comment: NM_000124.2(ERCC6):c.3002_3003delTCinsA(L1001Hfs*7) is expected to be pathogenic in the context of ERCC6-related disorders. This variant is predicted to lead to an abnormal or absent protein product due to the creation of a premature termination codon in ERCC6, a gene where loss-of-function variants are known to be pathogenic. Please note: this variant was assessed in the context of healthy population screening.

NM_000124.4(ERCC6):c.3002_3003delinsA (p.Leu1001fs)

Gene: ERCC6 (ERCC excision repair 6, chromatin remodeling factor; minus strand). Cytogenetic location: 10q11.23.
Variant type: Indel.
Coding change: c.3002_3003delinsA on transcript NM_000124.4 (MANE Select); coding-DNA positions 3002 to 3003, TC replaced by A.
Protein change: p.Leu1001fs; shifts the reading frame from leucine 1001.
Molecular consequence: frameshift variant.
Genome position (GRCh38, 1-based): chr10:49,471,042-49,471,043, GA replaced by T on the plus strand (TC replaced by A on the coding strand, the reverse complement: ERCC6 is on the minus strand). VCF-style: chr10-49471042-GA-T. GRCh37 (hg19) VCF-style: chr10-50679088-GA-T.
Other names: c.3002_3003delinsA, p.Leu1001fs (NM_001346440.2); short protein forms L1001fs.
Identifiers: ClinVar variation 1725887 (VCV001725887.2), dbSNP rs2495974647, ClinGen allele CA2580081568.